The following is an entry in ClinVar:

NM_015179.4(RRP12):c.3381A>G (p.Gln1127=)

Gene: RRP12 (ribosomal RNA processing 12 homolog; minus strand). Cytogenetic location: 10q24.1.
Variant type: single nucleotide variant.
Coding change: c.3381A>G on transcript NM_015179.4 (MANE Select); coding-DNA position 3381, A replaced by G.
Protein change: p.Gln1127=; no amino-acid change (glutamine 1127 retained).
Molecular consequence: synonymous variant.
Genome position (GRCh38, 1-based): chr10:97,366,456, T>C on the plus strand (A>G on the coding strand, the complement: RRP12 is on the minus strand). VCF-style: chr10-97366456-T-C. GRCh37 (hg19) VCF-style: chr10-99126213-T-C.
Other names: c.3198A>G, p.Gln1066= (NM_001145114.1); c.3081A>G, p.Gln1027= (NM_001284337.2).
Identifiers: ClinVar variation 3771690 (VCV003771690.13).

ClinVar aggregate classification (germline): Likely benign (1 of 4 stars; one submission).

gnomAD v4.1: 26 of 1,611,694 alleles (0.0016%); highest among the groups gnomAD compares: South Asian, 0.0066%; no homozygotes.

Submission:

CeGaT Center for Human Genetics Tuebingen
Classification: Likely benign. Last evaluated: 2025-02-01. Review status: criteria provided, single submitter. Criteria: CeGaT Center For Human Genetics Tuebingen Variant Classification Criteria Version 2. Collection method: clinical testing. Allele origin: germline. Affected: yes. Observed: 1 variant allele.
Comment: RRP12: BP4, BP7